The following is an entry in ClinVar:

NM_000535.7(PMS2):c.737C>G (p.Pro246Arg)

Gene: PMS2 (PMS1 homolog 2, mismatch repair system component; minus strand). Cytogenetic location: 7p22.1.
Variant type: single nucleotide variant.
Coding change: c.737C>G on transcript NM_000535.7 (MANE Select); coding-DNA position 737, C replaced by G.
Protein change: p.Pro246Arg; replaces proline 246 with arginine.
Molecular consequence: missense variant. On other transcripts: 5 prime UTR variant (2), non-coding transcript variant (1).
Genome position (GRCh38, 1-based): chr7:5,997,392, G>C on the plus strand (C>G on the coding strand, the complement: PMS2 is on the minus strand). VCF-style: chr7-5997392-G-C. GRCh37 (hg19) VCF-style: chr7-6037023-G-C.
Other names: c.332C>G, p.Pro111Arg (NM_001322003.2, NM_001322004.2, NM_001322005.2 and 2 more transcripts); c.737C>G, p.Pro246Arg (NM_001322006.2, NM_001322014.2); c.419C>G, p.Pro140Arg (NM_001322007.2, NM_001322008.2); c.-197C>G (NM_001322011.2, NM_001322012.2); c.164C>G, p.Pro55Arg (NM_001322013.2); c.428C>G, p.Pro143Arg (NM_001322015.2); c.737C>G (NM_000535.5); short protein forms P246R, P55R, P111R, P140R, P143R.
Identifiers: ClinVar variation 630020 (VCV000630020.11), dbSNP rs1562670885, ClinGen allele CA366743737.

ClinVar aggregate classification (germline): Uncertain significance. Review status: criteria provided, multiple submitters, no conflicts (2 of 4 stars). 6 submissions from 6 submitters: Uncertain significance (6). Last evaluated 2025-11-12.

Conditions:
Lynch syndrome 4 (LYNCH4). Also called: Colorectal cancer, hereditary nonpolyposis, type 4; Hereditary non-polyposis colorectal cancer, type 4. Identifiers: Orphanet 144, MedGen C1838333, MONDO:0013699, OMIM 614337. Disease mechanism: loss of function.
Hereditary nonpolyposis colorectal neoplasms. Identifiers: MedGen C0009405, MeSH D003123.
Hereditary cancer-predisposing syndrome. Also called: Neoplastic Syndromes, Hereditary; Tumor predisposition; Hereditary neoplastic syndrome; Hereditary Cancer Syndrome. Identifiers: Orphanet 140162, MedGen C0027672, MeSH D009386, MONDO:0015356.
Lynch syndrome. Identifiers: Orphanet 144, MedGen C4552100, MONDO:0005835. Disease mechanism: loss of function.

Allele frequency attached by ClinVar (database versions not stated): TOPMed below 0.00001; gnomAD 0.00001.
gnomAD v4.1: 2 of 1,604,698 alleles (0.00012%); highest among the groups gnomAD compares: Admixed American, 0.0017%; no homozygotes.

Submissions (6):

Ambry Genetics
Classification: Uncertain significance for Hereditary cancer-predisposing syndrome. Last evaluated: 2025-11-12. Review status: criteria provided, single submitter. Criteria: Ambry Variant Classification Scheme 2023. Collection method: clinical testing. Allele origin: germline.
Comment: The p.P246R variant (also known as c.737C>G), located in coding exon 7 of the PMS2 gene, results from a C to G substitution at nucleotide position 737. The proline at codon 246 is replaced by arginine, an amino acid with dissimilar properties. This amino acid position is well conserved in available vertebrate species. In addition, the in silico prediction for this alteration is inconclusive. Based on the available evidence, the clinical significance of this variant remains unclear.

Labcorp Genetics (formerly Invitae), Labcorp
Classification: Uncertain significance for Hereditary nonpolyposis colorectal neoplasms. Last evaluated: 2025-10-16. Review status: criteria provided, single submitter. Criteria: Invitae Variant Classification Sherloc (09022015). Collection method: clinical testing. Allele origin: germline.
Comment: This sequence change replaces proline, which is neutral and non-polar, with arginine, which is basic and polar, at codon 246 of the PMS2 protein (p.Pro246Arg). This variant is not present in population databases (gnomAD no frequency). This missense change has been observed in individual(s) with colorectal cancer (PMID: 35098669). ClinVar contains an entry for this variant (Variation ID: 630020). Invitae Evidence Modeling incorporating data from in vitro experimental studies (internal data) indicates that this missense variant is not expected to disrupt PMS2 function with a negative predictive value of 95%. In summary, the available evidence is currently insufficient to determine the role of this variant in disease. Therefore, it has been classified as a Variant of Uncertain Significance.

Baylor Genetics
Classification: Uncertain significance for Lynch syndrome 4. Last evaluated: 2024-02-08. Review status: criteria provided, single submitter. Criteria: ACMG Guidelines, 2015. Collection method: clinical testing. Allele origin: unknown.

Quest Diagnostics Nichols Institute San Juan Capistrano
Classification: Uncertain significance. Last evaluated: 2024-01-31. Review status: criteria provided, single submitter. Criteria: Quest Diagnostics criteria. Collection method: clinical testing. Allele origin: unknown.
Comment: The PMS2 c.737C>G (p.Pro246Arg) variant has been reported in the published literature in an individual with early onset colorectal cancer (PMID: 35098669 (2022)). The frequency of this variant in the general population, 0.0000066 (1/150562 chromosomes (Genome Aggregation Database)), is uninformative in the assessment of its pathogenicity. Analysis of this variant using bioinformatics tools for the prediction of the effect of amino acid changes on protein structure and function yielded conflicting predictions that this variant is benign or damaging. Based on the available information, we are unable to determine the clinical significance of this variant.

Department of Pathology and Laboratory Medicine, Sinai Health System
Classification: Uncertain significance for Lynch syndrome. Last evaluated: 2021-04-21. Review status: criteria provided, single submitter. Criteria: ACMG Guidelines, 2015. Collection method: clinical testing. Allele origin: germline. Affected: yes.

Color Diagnostics, LLC DBA Color Health
Classification: Uncertain significance for Hereditary cancer-predisposing syndrome. Last evaluated: 2020-12-08. Review status: criteria provided, single submitter. Criteria: ACMG Guidelines, 2015. Collection method: clinical testing. Allele origin: germline.
Comment: This missense variant replaces proline with arginine at codon 246 of the PMS2 protein. Computational prediction is inconclusive regarding the impact of this variant on protein structure and function (internally defined REVEL score threshold 0.5 < inconclusive < 0.7, PMID: 27666373). To our knowledge, functional studies have not been reported for this variant. This variant has not been reported in individuals affected with hereditary cancer in the literature. This variant has not been identified in the general population by the Genome Aggregation Database (gnomAD). The available evidence is insufficient to determine the role of this variant in disease conclusively. Therefore, this variant is classified as a Variant of Uncertain Significance.

Literature cited by the submitters: PubMed 35098669 (cited by Labcorp Genetics (formerly Invitae), Labcorp and Quest Diagnostics Nichols Institute San Juan Capistrano).